The following is an entry in ClinVar:

ClinVar aggregate classification (germline): Uncertain significance (1 of 4 stars; one submission).

Submission:

Women's Health and Genetics/Laboratory Corporation of America, LabCorp
Classification: Uncertain significance. Last evaluated: 2025-10-27. Review status: criteria provided, single submitter. Criteria: LabCorp Variant Classification Summary - May 2015. Collection method: clinical testing. Allele origin: germline.
Comment: Variant summary: BLM c.2209_2211delinsATT (p.Leu737Ile) results in a conservative amino acid change in the encoded protein sequence. Algorithms developed to predict the effect of missense changes on protein structure and function are either unavailable or do not agree on the potential impact of this missense change. The variant was absent in 281238 control chromosomes. The available data on variant occurrences in the general population are insufficient to allow any conclusion about variant significance. To our knowledge, no occurrence of c.2209_2211delinsATT in individuals affected with BLM-related conditions and no experimental evidence demonstrating its impact on protein function have been reported. No submitters have cited clinical-significance assessments for this variant to ClinVar. Based on the evidence outlined above, the variant was classified as uncertain significance.

NM_000057.4(BLM):c.2209_2211delinsATT (p.Leu737Ile)

Gene: BLM (BLM RecQ like helicase; plus strand). Cytogenetic location: 15q26.1.
Variant type: Indel.
Coding change: c.2209_2211delinsATT on transcript NM_000057.4 (MANE Select); coding-DNA positions 2209 to 2211, CTG replaced by ATT.
Protein change: p.Leu737Ile; replaces leucine 737 with isoleucine.
Molecular consequence: missense variant.
Genome position (GRCh38, 1-based): chr15:90,766,925-90,766,927, CTG replaced by ATT. VCF-style: chr15-90766925-CTG-ATT. GRCh37 (hg19) VCF-style: chr15-91310155-CTG-ATT.
Other names: c.2209_2211delinsATT, p.Leu737Ile (NM_001287246.2, NM_001287247.2); c.1084_1086delinsATT, p.Leu362Ile (NM_001287248.2); short protein forms L362I, L737I.
Identifiers: ClinVar variation 4687755 (VCV004687755.1).